The following is an entry in ClinVar:

ClinVar aggregate classification (germline): Uncertain significance (1 of 4 stars; one submission).

Conditions:
Neuronopathy, distal hereditary motor, autosomal recessive 5. Also called: NEUROPATHY, DISTAL HEREDITARY MOTOR, AUTOSOMAL RECESSIVE 5; Spinal muscular atrophy, distal, autosomal recessive, 5; Young adult-onset distal hereditary motor neuropathy. Identifiers: Orphanet 314485, Orphanet 443950, MedGen C4749918, MONDO:0013947, OMIM 614881.

Allele frequency attached by ClinVar (database versions not stated): gnomAD exomes 0.00006 and 0.00003; ESP Exome Variant Server 0.00008; ExAC 0.00002; gnomAD 0.00002; TOPMed 0.00002.
gnomAD v4.1: 51 of 1,614,096 alleles (0.0032%); highest among the groups gnomAD compares: Non-Finnish European, 0.0043%; no homozygotes.

Submission:

Labcorp Genetics (formerly Invitae), Labcorp
Classification: Uncertain significance for Neuronopathy, distal hereditary motor, autosomal recessive 5. Last evaluated: 2022-04-13. Review status: criteria provided, single submitter. Criteria: Invitae Variant Classification Sherloc (09022015). Collection method: clinical testing. Allele origin: germline.
Comment: This sequence change replaces arginine, which is basic and polar, with lysine, which is basic and polar, at codon 183 of the DNAJB2 protein (p.Arg183Lys). This variant also falls at the last nucleotide of exon 7, which is part of the consensus splice site for this exon. This variant is present in population databases (rs369758068, gnomAD 0.01%). This variant has not been reported in the literature in individuals affected with DNAJB2-related conditions. ClinVar contains an entry for this variant (Variation ID: 568441). Algorithms developed to predict the effect of missense changes on protein structure and function (SIFT, PolyPhen-2, Align-GVGD) all suggest that this variant is likely to be tolerated. Variants that disrupt the consensus splice site are a relatively common cause of aberrant splicing (PMID: 17576681, 9536098). Algorithms developed to predict the effect of sequence changes on RNA splicing suggest that this variant may disrupt the consensus splice site. In summary, the available evidence is currently insufficient to determine the role of this variant in disease. Therefore, it has been classified as a Variant of Uncertain Significance.

Literature cited by the submitters: PubMed 17576681; PubMed 9536098.

NM_006736.6(DNAJB2):c.548G>A (p.Arg183Lys)

Gene: DNAJB2 (DnaJ heat shock protein family (Hsp40) member B2; plus strand). Cytogenetic location: 2q35.
Variant type: single nucleotide variant.
Coding change: c.548G>A on transcript NM_006736.6 (MANE Select); coding-DNA position 548, G replaced by A.
Protein change: p.Arg183Lys; replaces arginine 183 with lysine.
Molecular consequence: missense variant.
Genome position (GRCh38, 1-based): chr2:219,283,235, G>A. VCF-style: chr2-219283235-G-A. GRCh37 (hg19) VCF-style: chr2-220147957-G-A.
Other names: c.548G>A, p.Arg183Lys (NM_001039550.2); short protein forms R183K.
Identifiers: ClinVar variation 568441 (VCV000568441.6), dbSNP rs369758068, ClinGen allele CA2123023.
Genomic context (GRCh38, chr2:219,283,235, plus strand): 5'-CTTTTCGCTCTGTTTCTACATCTACCACCTTTGTCCAAGGACGCCGCATCACCACACGCA[G>A]GTGAGAGCTCCTTCTGGGGCCATAGAGGGGTGAGAGGTCTGCTGGGGAGCTGTGTTCAAA-3'
Protein context (NP_006727.2, residues 173-193): FVQGRRITTR[Arg183Lys]IMENGQERVE